The following is an entry in ClinVar:

ClinVar aggregate classification (germline): Likely benign (1 of 4 stars; one submission).

Conditions:
TRAF7-related disorder. Also called: TRAF7-related condition.

gnomAD v4.1: 4 of 1,613,016 alleles (0.00025%); highest among the groups gnomAD compares: Admixed American, 0.0033%; 1 homozygote.

Submission:

PreventionGenetics, part of Exact Sciences
Classification: Likely benign for TRAF7-related condition. Last evaluated: 2026-07-23. Review status: criteria provided, single submitter. Criteria: ACMG Guidelines, 2015. Collection method: clinical testing. Allele origin: germline.
Comment: This variant is classified as likely benign based on ACMG/AMP sequence variant interpretation guidelines (Richards et al. 2015 PMID: 25741868, with internal and published modifications).

NM_032271.3(TRAF7):c.1572G>A (p.Arg524=)

Gene: TRAF7 (TNF receptor associated factor 7; plus strand). Cytogenetic location: 16p13.3.
Variant type: single nucleotide variant.
Coding change: c.1572G>A on transcript NM_032271.3 (MANE Select); coding-DNA position 1572, G replaced by A.
Protein change: p.Arg524=; no amino-acid change (arginine 524 retained).
Molecular consequence: synonymous variant.
Genome position (GRCh38, 1-based): chr16:2,175,568, G>A. VCF-style: chr16-2175568-G-A. GRCh37 (hg19) VCF-style: chr16-2225569-G-A.
Identifiers: ClinVar variation 4978207 (VCV004978207.1).